The following is an entry in ClinVar:

NM_020937.4(FANCM):c.2613T>G (p.Asn871Lys)

Gene: FANCM (FA complementation group M; plus strand). Cytogenetic location: 14q21.2.
Variant type: single nucleotide variant.
Coding change: c.2613T>G on transcript NM_020937.4 (MANE Select); coding-DNA position 2613, T replaced by G.
Protein change: p.Asn871Lys; replaces asparagine 871 with lysine.
Molecular consequence: missense variant.
Genome position (GRCh38, 1-based): chr14:45,175,367, T>G. VCF-style: chr14-45175367-T-G. GRCh37 (hg19) VCF-style: chr14-45644570-T-G.
Other names: c.2535T>G, p.Asn845Lys (NM_001308133.2); c.2613T>G (NM_020937.2); short protein forms N845K, N871K.
Identifiers: ClinVar variation 1060162 (VCV001060162.12), dbSNP rs1453404140, ClinGen allele CA389598238.

ClinVar aggregate classification (germline): Uncertain significance. Review status: criteria provided, multiple submitters, no conflicts (2 of 4 stars). 3 submissions from 3 submitters: Uncertain significance (3). Last evaluated 2024-12-03.

Conditions:
Inborn genetic diseases. Identifiers: MedGen C0950123, MeSH D030342.
Fanconi anemia (FA). Also called: Fanconi's anemia. Identifiers: Orphanet 84, MedGen C0015625, MeSH D005199, MONDO:0019391.

Allele frequency attached by ClinVar (database versions not stated): gnomAD exomes below 0.00001; gnomAD 0.00001.
gnomAD v4.1: 4 of 1,559,926 alleles (0.00026%); highest among the groups gnomAD compares: Non-Finnish European, 0.00035%; no homozygotes.

Submissions (3):

Ambry Genetics
Classification: Uncertain significance for Inborn genetic diseases. Last evaluated: 2024-12-03. Review status: criteria provided, single submitter. Criteria: Ambry Variant Classification Scheme 2023. Collection method: clinical testing. Allele origin: germline.
Comment: The p.N871K variant (also known as c.2613T>G), located in coding exon 14 of the FANCM gene, results from a T to G substitution at nucleotide position 2613. The asparagine at codon 871 is replaced by lysine, an amino acid with similar properties. This amino acid position is conserved. In addition, this alteration is predicted to be tolerated by in silico analysis. Based on the available evidence, the clinical significance of this variant remains unclear.

Labcorp Genetics (formerly Invitae), Labcorp
Classification: Uncertain significance for Fanconi anemia. Last evaluated: 2024-03-01. Review status: criteria provided, single submitter. Criteria: Invitae Variant Classification Sherloc (09022015). Collection method: clinical testing. Allele origin: germline.
Comment: This sequence change replaces asparagine, which is neutral and polar, with lysine, which is basic and polar, at codon 871 of the FANCM protein (p.Asn871Lys). This variant is present in population databases (no rsID available, gnomAD 0.001%). This variant has not been reported in the literature in individuals affected with FANCM-related conditions. ClinVar contains an entry for this variant (Variation ID: 1060162). Algorithms developed to predict the effect of missense changes on protein structure and function output the following: SIFT: "Not Available"; PolyPhen-2: "Benign"; Align-GVGD: "Not Available". The lysine amino acid residue is found in multiple mammalian species, which suggests that this missense change does not adversely affect protein function. In summary, the available evidence is currently insufficient to determine the role of this variant in disease. Therefore, it has been classified as a Variant of Uncertain Significance.

GeneDx
Classification: Uncertain significance. Last evaluated: 2023-05-11. Review status: criteria provided, single submitter. Criteria: GeneDx Variant Classification Process June 2021. Collection method: clinical testing. Allele origin: germline. Affected: yes.
Comment: Not observed at significant frequency in large population cohorts (gnomAD); In silico analysis supports that this missense variant does not alter protein structure/function; Has not been previously published as pathogenic or benign to our knowledge